The following is an entry in ClinVar:

ClinVar aggregate classification (germline): Benign/Likely benign. Review status: criteria provided, multiple submitters, no conflicts (2 of 4 stars). 8 submissions from 8 submitters: Benign (1); Likely benign (7). Last evaluated 2026-07-01.

Conditions:
Arrhythmogenic right ventricular dysplasia 11. Also called: Arrhythmogenic Right Ventricular Dysplasia/Cardiomyopathy11; Arrhythmogenic right ventricular dysplasia 11 with mild palmoplantar keratoderma and woolly hair; ARRHYTHMOGENIC RIGHT VENTRICULAR DYSPLASIA, FAMILIAL, 11. Identifiers: MedGen C1864850, MONDO:0012506, OMIM 610476.
Cardiovascular phenotype. Identifiers: MedGen CN230736.
Familial isolated arrhythmogenic right ventricular dysplasia. Identifiers: Orphanet 217656, MedGen C4274968, MONDO:0016342.
Cardiomyopathy (CMYO). Also called: Cardiomyopathies. Identifiers: Orphanet 167848, MedGen C0878544, MONDO:0004994, HP:0001638. Inheritance: Various modes of inheritance.

Allele frequency attached by ClinVar (database versions not stated): ExAC 0.00008; gnomAD exomes 0.00010; gnomAD 0.00018; TOPMed 0.00023.
gnomAD v4.1: 156 of 1,604,980 alleles (0.0097%); highest among the groups gnomAD compares: East Asian, 0.056%; no homozygotes.

Submissions (8):

CeGaT Center for Human Genetics Tuebingen
Classification: Likely benign. Last evaluated: 2026-07-01. Review status: criteria provided, single submitter. Criteria: CeGaT Center For Human Genetics Tuebingen Variant Classification Criteria Version 2. Collection method: clinical testing. Allele origin: germline. Affected: yes. Observed: 2 variant alleles.
Comment: DSC2: BP4, BP7

Labcorp Genetics (formerly Invitae), Labcorp
Classification: Likely benign for Arrhythmogenic right ventricular dysplasia 11. Last evaluated: 2026-01-15. Review status: criteria provided, single submitter. Criteria: Invitae Variant Classification Sherloc (09022015). Collection method: clinical testing. Allele origin: germline.

Blueprint Genetics
Classification: Likely benign. Last evaluated: 2024-10-17. Review status: criteria provided, single submitter. Criteria: ACMG Guidelines, 2015. Collection method: clinical testing. Allele origin: germline.

All of Us Research Program, National Institutes of Health
Classification: Likely benign for Familial isolated arrhythmogenic right ventricular dysplasia. Last evaluated: 2024-02-05. Review status: criteria provided, single submitter. Criteria: ACMG Guidelines, 2015. Collection method: clinical testing. Allele origin: germline. Inheritance: Autosomal dominant inheritance. Observed: 44 variant alleles, 44 heterozygotes.
Comment: This study involves interpretation of variants in research participants for the purpose of population health screening. Participant phenotype was not available at the time of variant classification. Additional details can be found in publication PMID: 35346344, PMCID: PMC8962531

GeneDx
Classification: Likely benign. Last evaluated: 2021-02-25. Review status: criteria provided, single submitter. Criteria: GeneDx Variant Classification Process June 2021. Collection method: clinical testing. Allele origin: germline. Affected: yes.

Color Diagnostics, LLC DBA Color Health
Classification: Likely benign for Cardiomyopathy. Last evaluated: 2018-10-22. Review status: criteria provided, single submitter. Criteria: ACMG Guidelines, 2015. Collection method: clinical testing. Allele origin: germline.

Ambry Genetics
Classification: Likely benign for Cardiovascular phenotype. Last evaluated: 2018-06-20. Review status: criteria provided, single submitter. Criteria: Ambry Variant Classification Scheme 2023. Collection method: clinical testing. Allele origin: germline.

Women's Health and Genetics/Laboratory Corporation of America, LabCorp
Classification: Benign. Last evaluated: 2016-05-09. Review status: criteria provided, single submitter. Criteria: LabCorp Variant Classification Summary - May 2015. Collection method: clinical testing. Allele origin: germline.
Comment: Variant summary: The DSC2 c.135C>T (p.Ala45Ala) variant involves the alteration of a non-conserved nucleotide, resulting in a synonymous change. 4/5 splice prediction tools predict no significant impact on normal splicing. This variant was found in 10/121372 control chromosomes, predominantly observed in the Latino subpopulation at a frequency of 0.0003456 (4/11574). This frequency is about 35 times the estimated maximal expected allele frequency of a pathogenic DSC2 variant (0.00001), suggesting this is likely a benign polymorphism found primarily in the populations of Latino origin. The variant of interest has not, to our knowledge, been reported in affected individuals via publications and clinical diagnostic laboratories. Taken together, this variant is classified as Benign.

NM_024422.6(DSC2):c.135C>T (p.Ala45=)

Gene: DSC2 (desmocollin 2; minus strand). Cytogenetic location: 18q12.1.
Variant type: single nucleotide variant.
Coding change: c.135C>T on transcript NM_024422.6 (MANE Select); coding-DNA position 135, C replaced by T.
Protein change: p.Ala45=; no amino-acid change (alanine 45 retained).
Molecular consequence: synonymous variant.
Genome position (GRCh38, 1-based): chr18:31,093,578, G>A on the plus strand (C>T on the coding strand, the complement: DSC2 is on the minus strand). VCF-style: chr18-31093578-G-A. GRCh37 (hg19) VCF-style: chr18-28673541-G-A.
Other names: c.135C>T, p.Ala45= (NM_004949.5).
Identifiers: ClinVar variation 416266 (VCV000416266.43), dbSNP rs749323567, ClinGen allele CA031120.